The following is an entry in ClinVar:

NM_000944.5(PPP3CA):c.211A>G (p.Ile71Val)

Gene: PPP3CA (protein phosphatase 3 catalytic subunit alpha; minus strand). Cytogenetic location: 4q24.
Variant type: single nucleotide variant.
Coding change: c.211A>G on transcript NM_000944.5 (MANE Select); coding-DNA position 211, A replaced by G.
Protein change: p.Ile71Val; replaces isoleucine 71 with valine.
Molecular consequence: missense variant.
Genome position (GRCh38, 1-based): chr4:101,195,964, T>C on the plus strand (A>G on the coding strand, the complement: PPP3CA is on the minus strand). VCF-style: chr4-101195964-T-C. GRCh37 (hg19) VCF-style: chr4-102117121-T-C.
Other names: c.211A>G (NM_000944.4); c.211A>G, p.Ile71Val (NM_001130691.2, NM_001130692.2); short protein forms I71V.
Identifiers: ClinVar variation 2083096 (VCV002083096.5), dbSNP rs145968865, ClinGen allele CA3024545.

ClinVar aggregate classification (germline): Conflicting classifications of pathogenicity. Review status: criteria provided, conflicting classifications (1 of 4 stars). 2 submissions from 2 submitters: Uncertain significance (1); Likely benign (1). Last evaluated 2025-05-16.

Conditions:
Inborn genetic diseases. Identifiers: MedGen C0950123, MeSH D030342.

Allele frequency attached by ClinVar (database versions not stated): gnomAD 0.00001; TOPMed 0.00003; gnomAD exomes 0.00004; ExAC 0.00005; ESP Exome Variant Server 0.00008.
gnomAD v4.1: 54 of 1,613,920 alleles (0.0033%); highest among the groups gnomAD compares: Non-Finnish European, 0.0041%; no homozygotes.

Submissions (2):

Labcorp Genetics (formerly Invitae), Labcorp
Classification: Uncertain significance. Last evaluated: 2025-05-16. Review status: criteria provided, single submitter. Criteria: Invitae Variant Classification Sherloc (09022015). Collection method: clinical testing. Allele origin: germline.
Comment: This sequence change replaces isoleucine, which is neutral and non-polar, with valine, which is neutral and non-polar, at codon 71 of the PPP3CA protein (p.Ile71Val). This variant is present in population databases (rs145968865, gnomAD 0.007%). This variant has not been reported in the literature in individuals affected with PPP3CA-related conditions. ClinVar contains an entry for this variant (Variation ID: 2083096). Invitae Evidence Modeling of protein sequence and biophysical properties (such as structural, functional, and spatial information, amino acid conservation, physicochemical variation, residue mobility, and thermodynamic stability) indicates that this missense variant is not expected to disrupt PPP3CA protein function with a negative predictive value of 80%. In summary, the available evidence is currently insufficient to determine the role of this variant in disease. Therefore, it has been classified as a Variant of Uncertain Significance.

Ambry Genetics
Classification: Likely benign for Inborn genetic diseases. Last evaluated: 2025-04-25. Review status: criteria provided, single submitter. Criteria: Ambry Variant Classification Scheme 2023. Collection method: clinical testing. Allele origin: germline.